The following is an entry in ClinVar:

NM_001211.6(BUB1B):c.1937T>G (p.Val646Gly)

Gene: BUB1B (BUB1 mitotic checkpoint serine/threonine kinase B; plus strand). Cytogenetic location: 15q15.1.
Variant type: single nucleotide variant.
Coding change: c.1937T>G on transcript NM_001211.6 (MANE Select); coding-DNA position 1937, T replaced by G.
Protein change: p.Val646Gly; replaces valine 646 with glycine.
Molecular consequence: missense variant.
Genome position (GRCh38, 1-based): chr15:40,206,386, T>G. VCF-style: chr15-40206386-T-G. GRCh37 (hg19) VCF-style: chr15-40498587-T-G.
Other names: short protein forms V646G.
Identifiers: ClinVar variation 3221368 (VCV003221368.1), dbSNP rs2542565043, ClinGen allele CA391692722.
Genomic context (GRCh38, chr15:40,206,386, plus strand): 5'-TGTCCTTGAAGGATCTCCCTTCTGATCCTGAGAGACTGTTACCGGAAGAAGATCTAGATG[T>G]AAAGACCTCTGAGGACCAGCAGACAGCTTGTGGCACTATCTACAGTCAGACTCTCAGCAT-3'
Protein context (NP_001202.5, residues 636-656): ERLLPEEDLD[Val646Gly]KTSEDQQTAC

ClinVar aggregate classification (germline): Uncertain significance (1 of 4 stars; one submission).

Conditions:
Inborn genetic diseases. Identifiers: MedGen C0950123, MeSH D030342.

gnomAD v4.1: 1 of 1,614,174 alleles (0.000062%); no homozygotes.

Submission:

Ambry Genetics
Classification: Uncertain significance for Inborn genetic diseases. Last evaluated: 2023-12-01. Review status: criteria provided, single submitter. Criteria: Ambry Variant Classification Scheme 2023. Collection method: clinical testing. Allele origin: germline.
Comment: The p.V646G variant (also known as c.1937T>G), located in coding exon 15 of the BUB1B gene, results from a T to G substitution at nucleotide position 1937. The valine at codon 646 is replaced by glycine, an amino acid with dissimilar properties. This amino acid position is conserved. In addition, this alteration is predicted to be tolerated by in silico analysis. Since supporting evidence is limited at this time, the clinical significance of this alteration remains unclear.